The following is an entry in ClinVar:

ClinVar aggregate classification (germline): Uncertain significance (0 of 4 stars; one submission).

Conditions:
HIVEP3-related disorder. Also called: HIVEP3-related condition.

Submission:

PreventionGenetics, part of Exact Sciences
Classification: Uncertain significance for HIVEP3-related condition. Last evaluated: 2024-07-12. Review status: no assertion criteria provided. Collection method: clinical testing. Allele origin: germline.
Comment: The HIVEP3 c.6595_6596delinsAT variant is predicted to result in an in-frame deletion and insertion. To our knowledge, this variant has not been reported in the literature or in a large population database, indicating this variant is rare. At this time, the clinical significance of this variant is uncertain due to the absence of conclusive functional and genetic evidence.

NM_024503.5(HIVEP3):c.6595_6596delinsAT (p.Gly2199Met)

Gene: HIVEP3 (HIVEP zinc finger 3; minus strand). Cytogenetic location: 1p34.2.
Variant type: Indel.
Coding change: c.6595_6596delinsAT on transcript NM_024503.5 (MANE Select); coding-DNA positions 6595 to 6596, GG replaced by AT.
Protein change: p.Gly2199Met; replaces glycine 2199 with methionine.
Molecular consequence: missense variant.
Genome position (GRCh38, 1-based): chr1:41,511,076-41,511,077, CC replaced by AT on the plus strand (GG replaced by AT on the coding strand, the reverse complement: HIVEP3 is on the minus strand). VCF-style: chr1-41511076-CC-AT. GRCh37 (hg19) VCF-style: chr1-41976747-CC-AT.
Other names: c.6592_6593delinsAT, p.Gly2198Met (NM_001127714.3); short protein forms G2198M, G2199M.
Identifiers: ClinVar variation 3355092 (VCV003355092.1).